The following is an entry in ClinVar:

ClinVar aggregate classification (germline): Pathogenic (1 of 4 stars; one submission).

Submission:

Labcorp Genetics (formerly Invitae), Labcorp
Classification: Pathogenic. Last evaluated: 2021-07-15. Review status: criteria provided, single submitter. Criteria: Invitae Variant Classification Sherloc (09022015). Collection method: clinical testing. Allele origin: germline.
Comment: This sequence change inserts a large fragment of DNA, likely a transposable element, in exon 2 of the PHEX gene (c.134_135ins?), causing a frameshift at codon 45 (p.Leu45fs). The exact size and sequence of the insertion cannot be determined by the current assay. However, the insertion is expected to result in an absent or disrupted protein product. For these reasons, this variant has been classified as Pathogenic. Retrotransposon insertions including LINE1 (L1), Alu, and SVA (SINE-VNTR-Alu) have been reported to be disease-causing through disruption of either a coding region or splice site (PMID: 19763152, 20307669, 22406018) and loss-of-function variants in PHEX are known to be pathogenic (PMID: 9097956, 9106524, 19219621). Algorithms developed to predict the effect of sequence changes on RNA splicing suggest that this variant may create or strengthen a splice site. This variant has not been reported in the literature in individuals affected with PHEX-related conditions. This variant is not present in population databases (ExAC no frequency).

Literature cited by the submitters: PubMed 19763152; PubMed 20307669; PubMed 22406018; PubMed 9097956; PubMed 9106524; PubMed 19219621.

NM_000444.6(PHEX):c.134_135insTTTTTTTTTTTTTTTTTTTTNNNNNNNNNNACCTCGTGATCCGCCCGCCCCGGCCTCCCAAAGTGCTGGGATTACAGGCGTGAGCCACCGCGCCCGGCCAAGGTCTCTT (p.Leu45fs)

Gene: PHEX (phosphate regulating endopeptidase X-linked; plus strand). Cytogenetic location: Xp22.11.
Variant type: Insertion.
Coding change: c.134_135insTTTTTTTTTTTTTTTTTTTTNNNNNNNNNNACCTCGTGATCCGCCCGCCCCGGCCTCCCAAAGTGCTGGGATTACAGGCGTGAGCCACCGCGCCCGGCCAAGGTCTCTT on transcript NM_000444.6 (MANE Select); coding-DNA positions 134 to 135, TTTTTTTTTTTTTTTTTTTTNNNNNNNNNNACCTCGTGATCCGCCCGCCCCGGCCTCCCAAAGTGCTGGGATTACAGGCGTGAGCCACCGCGCCCGGCCAAGGTCTCTT inserted.
Protein change: p.Leu45fs; shifts the reading frame from leucine 45.
Molecular consequence: frameshift variant.
Genome position: GRCh38: chrX:22,038,484-22,038,485. GRCh37 (hg19): chrX:22,056,602-22,056,603.
Other names: c.134_135insTTTTTTTTTTTTTTTTTTTTNNNNNNNNNNACCTCGTGATCCGCCCGCCCCGGCCTCCCAAAGTGCTGGGATTACAGGCGTGAGCCACCGCGCCCGGCCAAGGTCTCTT, p.Leu45fs (NM_001282754.2); short protein forms L45fs.
Identifiers: ClinVar variation 1452086 (VCV001452086.6), dbSNP rs2146979498.